The following is an entry in ClinVar:

NM_006393.3(NEBL):c.2818C>A (p.His940Asn)

Gene: NEBL (nebulette; minus strand). Cytogenetic location: 10p12.31.
Variant type: single nucleotide variant.
Coding change: c.2818C>A on transcript NM_006393.3 (MANE Select); coding-DNA position 2818, C replaced by A.
Protein change: p.His940Asn; replaces histidine 940 with asparagine.
Molecular consequence: missense variant.
Genome position (GRCh38, 1-based): chr10:20,787,252, G>T on the plus strand (C>A on the coding strand, the complement: NEBL is on the minus strand). VCF-style: chr10-20787252-G-T. GRCh37 (hg19) VCF-style: chr10-21076181-G-T.
Other names: c.586C>A, p.His196Asn (NM_001173484.2, NM_213569.2); c.679C>A, p.His227Asn (NM_001377322.1); c.538C>A, p.His180Asn (NM_001377323.1); c.529C>A, p.His177Asn (NM_001377324.1); c.520C>A, p.His174Asn (NM_001377325.1); c.478C>A, p.His160Asn (NM_001377326.1, NM_001377327.1, NM_001377328.1); short protein forms H160N, H177N, H196N, H174N, H180N, H227N, H940N.
Identifiers: ClinVar variation 4556729 (VCV004556729.1).

ClinVar aggregate classification (germline): Uncertain significance (1 of 4 stars; one submission).

gnomAD v4.1: 5 of 1,613,572 alleles (0.00031%); highest among the groups gnomAD compares: Non-Finnish European, 0.00042%; no homozygotes.

Submission:

Ambry Genetics
Classification: Uncertain significance. Last evaluated: 2025-10-29. Review status: criteria provided, single submitter. Criteria: Ambry Variant Classification Scheme 2023. Collection method: clinical testing. Allele origin: germline.
Comment: The p.H940N variant (also known as c.2818C>A), located in coding exon 27 of the NEBL gene, results from a C to A substitution at nucleotide position 2818. The histidine at codon 940 is replaced by asparagine, an amino acid with similar properties. This amino acid position is conserved. In addition, this alteration is predicted to be tolerated by in silico analysis. Based on the available evidence, the clinical significance of this variant remains unclear.